The following is an entry in ClinVar:

NM_015978.3(TNNI3K):c.1252C>T (p.Gln418Ter)

Genes: FPGT-TNNI3K (FPGT-TNNI3K readthrough; plus strand), TNNI3K (TNNI3 interacting kinase; plus strand). Cytogenetic location: 1p31.1.
Variant type: single nucleotide variant.
Coding change: c.1252C>T on transcript NM_015978.3 (MANE Select); coding-DNA position 1252, C replaced by T.
Protein change: p.Gln418Ter; replaces glutamine 418 with a stop codon.
Molecular consequence: nonsense.
Genome position (GRCh38, 1-based): chr1:74,367,330, C>T. VCF-style: chr1-74367330-C-T. GRCh37 (hg19) VCF-style: chr1-74833014-C-T.
Other names: c.1555C>T, p.Gln519Ter (NM_001112808.3, NM_001199327.2); short protein forms Q418*, Q519*.
Identifiers: ClinVar variation 1933433 (VCV001933433.5), dbSNP rs1389911058, ClinGen allele CA340785535.

ClinVar aggregate classification (germline): Uncertain significance (1 of 4 stars; one submission).

Allele frequency attached by ClinVar (database versions not stated): gnomAD 0.00001; gnomAD exomes 0.00001; TOPMed 0.00001.
gnomAD v4.1: 19 of 1,611,986 alleles (0.0012%); highest among the groups gnomAD compares: Admixed American, 0.0017%; no homozygotes.

Submission:

Labcorp Genetics (formerly Invitae), Labcorp
Classification: Uncertain significance. Last evaluated: 2025-12-17. Review status: criteria provided, single submitter. Criteria: Invitae Variant Classification Sherloc (09022015). Collection method: clinical testing. Allele origin: germline.
Comment: This sequence change creates a premature translational stop signal (p.Gln418*) in the TNNI3K gene. It is expected to result in an absent or disrupted protein product. However, the current clinical and genetic evidence is not sufficient to establish whether loss-of-function variants in TNNI3K cause disease. This variant is not present in population databases (gnomAD no frequency). This variant has not been reported in the literature in individuals affected with TNNI3K-related conditions. ClinVar contains an entry for this variant (Variation ID: 1933433). Algorithms developed to predict the effect of sequence changes on RNA splicing suggest that this variant may disrupt the consensus splice site. In summary, the available evidence is currently insufficient to determine the role of this variant in disease. Therefore, it has been classified as a Variant of Uncertain Significance.